The following is an entry in ClinVar:

ClinVar aggregate classification (germline): Uncertain significance (1 of 4 stars; one submission).

Submission:

Labcorp Genetics (formerly Invitae), Labcorp
Classification: Uncertain significance. Last evaluated: 2024-09-10. Review status: criteria provided, single submitter. Criteria: Invitae Variant Classification Sherloc (09022015). Collection method: clinical testing. Allele origin: germline.
Comment: This sequence change replaces histidine, which is basic and polar, with arginine, which is basic and polar, at codon 61 of the SAMD9 protein (p.His61Arg). This variant is not present in population databases (gnomAD no frequency). This variant has not been reported in the literature in individuals affected with SAMD9-related conditions. Invitae Evidence Modeling of protein sequence and biophysical properties (such as structural, functional, and spatial information, amino acid conservation, physicochemical variation, residue mobility, and thermodynamic stability) indicates that this missense variant is not expected to disrupt SAMD9 protein function with a negative predictive value of 95%. In summary, the available evidence is currently insufficient to determine the role of this variant in disease. Therefore, it has been classified as a Variant of Uncertain Significance.

NM_017654.4(SAMD9):c.182A>G (p.His61Arg)

Gene: SAMD9 (sterile alpha motif domain containing 9; minus strand). Cytogenetic location: 7q21.2.
Variant type: single nucleotide variant.
Coding change: c.182A>G on transcript NM_017654.4 (MANE Select); coding-DNA position 182, A replaced by G.
Protein change: p.His61Arg; replaces histidine 61 with arginine.
Molecular consequence: missense variant.
Genome position (GRCh38, 1-based): chr7:93,105,916, T>C on the plus strand (A>G on the coding strand, the complement: SAMD9 is on the minus strand). VCF-style: chr7-93105916-T-C. GRCh37 (hg19) VCF-style: chr7-92735229-T-C.
Other names: c.182A>G, p.His61Arg (NM_001193307.2); short protein forms H61R.
Identifiers: ClinVar variation 3692665 (VCV003692665.2).